The following is an entry in ClinVar:

ClinVar aggregate classification (germline): Uncertain significance (1 of 4 stars; one submission).

Conditions:
Hereditary cancer-predisposing syndrome. Also called: Neoplastic Syndromes, Hereditary; Tumor predisposition; Hereditary neoplastic syndrome; Hereditary Cancer Syndrome. Identifiers: Orphanet 140162, MedGen C0027672, MeSH D009386, MONDO:0015356.

Submission:

Ambry Genetics
Classification: Uncertain significance for Hereditary cancer-predisposing syndrome. Last evaluated: 2023-01-03. Review status: criteria provided, single submitter. Criteria: Ambry Variant Classification Scheme 2023. Collection method: clinical testing. Allele origin: germline.
Comment: The p.E723Q variant (also known as c.2167G>C), located in coding exon 13 of the RAD50 gene, results from a G to C substitution at nucleotide position 2167. The glutamic acid at codon 723 is replaced by glutamine, an amino acid with highly similar properties. This amino acid position is conserved. In addition, this alteration is predicted to be tolerated by in silico analysis. Since supporting evidence is limited at this time, the clinical significance of this alteration remains unclear.

NM_005732.4(RAD50):c.2167G>C (p.Glu723Gln)

Gene: RAD50 (RAD50 double strand break repair protein; plus strand). Cytogenetic location: 5q31.1.
Variant type: single nucleotide variant.
Coding change: c.2167G>C on transcript NM_005732.4 (MANE Select); coding-DNA position 2167, G replaced by C.
Protein change: p.Glu723Gln; replaces glutamic acid 723 with glutamine.
Molecular consequence: missense variant.
Genome position (GRCh38, 1-based): chr5:132,595,770, G>C. VCF-style: chr5-132595770-G-C. GRCh37 (hg19) VCF-style: chr5-131931462-G-C.
Other names: short protein forms E723Q.
Identifiers: ClinVar variation 2451419 (VCV002451419.2), dbSNP rs1294066470, ClinGen allele CA360950613.
Genomic context (GRCh38, chr5:132,595,770, plus strand): 5'-TCTAAACTGCGACTTGCTCCAGATAAACTCAAGTCAACAGAATCAGAGCTAAAAAAAAAG[G>C]AAAAGCGGCGTGATGAAATGCTGGGACTTGTGCCCATGAGGTAAGAATGGGATTTACCTT-3'
Protein context (NP_005723.2, residues 713-733): KSTESELKKK[Glu723Gln]KRRDEMLGLV